The following is an entry in ClinVar:

ClinVar aggregate classification (germline): Uncertain significance (1 of 4 stars; one submission).

Submission:

Ambry Genetics
Classification: Uncertain significance. Last evaluated: 2025-05-23. Review status: criteria provided, single submitter. Criteria: Ambry Variant Classification Scheme 2023. Collection method: clinical testing. Allele origin: germline.
Comment: The p.Y762D variant (also known as c.2284T>G), located in coding exon 10 of the WNK2 gene, results from a T to G substitution at nucleotide position 2284. The tyrosine at codon 762 is replaced by aspartic acid, an amino acid with highly dissimilar properties. This amino acid position is conserved. In addition, the in silico prediction for this alteration is inconclusive. Based on the available evidence, the clinical significance of this variant remains unclear.

NM_006648.4(WNK2):c.2284T>G (p.Tyr762Asp)

Gene: WNK2 (WNK lysine deficient protein kinase 2; plus strand). Cytogenetic location: 9q22.31.
Variant type: single nucleotide variant.
Coding change: c.2284T>G on transcript NM_006648.4 (MANE Select); coding-DNA position 2284, T replaced by G.
Protein change: p.Tyr762Asp; replaces tyrosine 762 with aspartic acid.
Molecular consequence: missense variant.
Genome position (GRCh38, 1-based): chr9:93,257,041, T>G. VCF-style: chr9-93257041-T-G. GRCh37 (hg19) VCF-style: chr9-96019323-T-G.
Other names: c.2284T>G, p.Tyr762Asp (NM_001282394.3); short protein forms Y762D.
Identifiers: ClinVar variation 3982097 (VCV003982097.1).